The following is an entry in ClinVar:

NM_001206999.2(CIT):c.3039C>G (p.Ser1013=)

Gene: CIT (citron rho-interacting serine/threonine kinase; minus strand). Cytogenetic location: 12q24.23.
Variant type: single nucleotide variant.
Coding change: c.3039C>G on transcript NM_001206999.2 (MANE Select); coding-DNA position 3039, C replaced by G.
Protein change: p.Ser1013=; no amino-acid change (serine 1013 retained).
Molecular consequence: synonymous variant.
Genome position (GRCh38, 1-based): chr12:119,735,277, G>C on the plus strand (C>G on the coding strand, the complement: CIT is on the minus strand). VCF-style: chr12-119735277-G-C. GRCh37 (hg19) VCF-style: chr12-120173082-G-C.
Other names: c.2913C>G, p.Ser971= (NM_007174.3).
Identifiers: ClinVar variation 1336991 (VCV001336991.35), dbSNP rs139602765, ClinGen allele CA6821617.

ClinVar aggregate classification (germline): Likely benign. Review status: criteria provided, multiple submitters, no conflicts (2 of 4 stars). 4 submissions from 4 submitters: Likely benign (3). 1 of the submissions does not count toward it. Last evaluated 2025-10-02.

Conditions:
CIT-related disorder. Also called: CIT-related condition.

Allele frequency attached by ClinVar (database versions not stated): 1000 Genomes Project 30x 0.00016; 1000 Genomes Project 0.00020; gnomAD 0.00033 and 0.00035; ESP Exome Variant Server 0.00038; gnomAD exomes 0.00045 and 0.00056; ExAC 0.00066.
gnomAD v4.1: 712 of 1,614,158 alleles (0.044%); highest among the groups gnomAD compares: South Asian, 0.17%; 4 homozygotes.

Submissions (4):

Labcorp Genetics (formerly Invitae), Labcorp
Classification: Likely benign. Last evaluated: 2025-10-02. Review status: criteria provided, single submitter. Criteria: Invitae Variant Classification Sherloc (09022015). Collection method: clinical testing. Allele origin: germline.

CeGaT Center for Human Genetics Tuebingen
Classification: Likely benign. Last evaluated: 2025-07-01. Review status: criteria provided, single submitter. Criteria: CeGaT Center For Human Genetics Tuebingen Variant Classification Criteria Version 2. Collection method: clinical testing. Allele origin: germline. Affected: yes. Observed: 3 variant alleles.
Comment: CIT: BP4

Genetic Services Laboratory, University of Chicago
Classification: Likely benign. Last evaluated: 2019-01-08. Review status: criteria provided, single submitter. Criteria: ACMG Guidelines, 2015. Collection method: clinical testing. Allele origin: germline. Affected: no.

PreventionGenetics, part of Exact Sciences
Classification: Likely benign for CIT-related condition. Last evaluated: 2024-05-01. Review status: no assertion criteria provided. Collection method: clinical testing. Allele origin: germline. Not counted in ClinVar's aggregate classification.
Comment: This variant is classified as likely benign based on ACMG/AMP sequence variant interpretation guidelines (Richards et al. 2015 PMID: 25741868, with internal and published modifications).